The following is an entry in ClinVar:

NM_001690.4(ATP6V1A):c.1227-6A>G

Gene: ATP6V1A (ATPase H+ transporting V1 subunit A; plus strand). Cytogenetic location: 3q13.31.
Variant type: single nucleotide variant.
Coding change: c.1227-6A>G on transcript NM_001690.4 (MANE Select); 6 bases into the intron before coding-DNA position 1227, A replaced by G.
Molecular consequence: intron variant.
Genome position (GRCh38, 1-based): chr3:113,795,870, A>G. VCF-style: chr3-113795870-A-G. GRCh37 (hg19) VCF-style: chr3-113514717-A-G.
Identifiers: ClinVar variation 931142 (VCV000931142.3), dbSNP rs1709148623, ClinGen allele CA1139658223.

ClinVar aggregate classification (germline): Uncertain significance (1 of 4 stars; one submission).

Conditions:
Autosomal recessive cutis laxa type 2D. Also called: CUTIS LAXA, AUTOSOMAL RECESSIVE, TYPE IID. Identifiers: MedGen C4479409, MONDO:0027451, OMIM 617403.

Submission:

Centre for Mendelian Genomics, University Medical Centre Ljubljana
Classification: Uncertain significance for Autosomal recessive cutis laxa type 2D. Last evaluated: 2019-07-01. Review status: criteria provided, single submitter. Criteria: ACMG Guidelines, 2015. Collection method: clinical testing. Allele origin: unknown. Affected: yes.
Comment: This variant was classified as: Uncertain significance. The available evidence on this variant's pathogenicity is insufficient or conflicting. The following ACMG criteria were applied in classifying this variant: PM2,PP3,BS2.